The following is an entry in ClinVar:

NM_032608.7(MYO18B):c.5372A>G (p.His1791Arg)

Gene: MYO18B (myosin XVIIIB; plus strand). Cytogenetic location: 22q12.1.
Variant type: single nucleotide variant.
Coding change: c.5372A>G on transcript NM_032608.7 (MANE Select); coding-DNA position 5372, A replaced by G.
Protein change: p.His1791Arg; replaces histidine 1791 with arginine.
Molecular consequence: missense variant.
Genome position (GRCh38, 1-based): chr22:25,921,264, A>G. VCF-style: chr22-25921264-A-G. GRCh37 (hg19) VCF-style: chr22-26317231-A-G.
Other names: c.5375A>G, p.His1792Arg (NM_001318245.2); short protein forms H1792R, H1791R.
Identifiers: ClinVar variation 1909474 (VCV001909474.3), dbSNP rs139515811, ClinGen allele CA411005223.
Genomic context (GRCh38, chr22:25,921,264, plus strand): 5'-ACCCTGGCCACTGCTTTGCCACCTAAGCTCATGGGTCTCCCTTTGGCTTTCAGATTGGCC[A>G]TCGGGACTTTGATGTGGAGAAGCGACTTCGGAGAGACCTCAGGAGGACACATGCACTGTT-3'
Protein context (NP_115997.5, residues 1781-1801): LIGTLCDQIG[His1791Arg]RDFDVEKRLR

ClinVar aggregate classification (germline): Uncertain significance (1 of 4 stars; one submission).

Allele frequency attached by ClinVar (database versions not stated): TOPMed 0.00002; gnomAD exomes 0.00004.
gnomAD v4.1: 51 of 1,551,584 alleles (0.0033%); highest among the groups gnomAD compares: Non-Finnish European, 0.0043%; no homozygotes.

Submission:

Labcorp Genetics (formerly Invitae), Labcorp
Classification: Uncertain significance. Last evaluated: 2022-03-10. Review status: criteria provided, single submitter. Criteria: Invitae Variant Classification Sherloc (09022015). Collection method: clinical testing. Allele origin: germline.
Comment: In summary, the available evidence is currently insufficient to determine the role of this variant in disease. Therefore, it has been classified as a Variant of Uncertain Significance. Algorithms developed to predict the effect of missense changes on protein structure and function are either unavailable or do not agree on the potential impact of this missense change (SIFT: "Not Available"; PolyPhen-2: "Probably Damaging"; Align-GVGD: "Not Available"). This variant has not been reported in the literature in individuals affected with MYO18B-related conditions. This variant is present in population databases (no rsID available, gnomAD 0.006%). This sequence change replaces histidine, which is basic and polar, with arginine, which is basic and polar, at codon 1791 of the MYO18B protein (p.His1791Arg).